The following is an entry in ClinVar:

NM_001098816.3(TENM4):c.-8C>T

Gene: TENM4 (teneurin transmembrane protein 4; minus strand). Cytogenetic location: 11q14.1.
Variant type: single nucleotide variant.
Coding change: c.-8C>T on transcript NM_001098816.3 (MANE Select); 8 bases upstream of the start codon, C replaced by T.
Molecular consequence: 5 prime UTR variant.
Genome position (GRCh38, 1-based): chr11:79,069,952, G>A on the plus strand (C>T on the coding strand, the complement: TENM4 is on the minus strand). VCF-style: chr11-79069952-G-A. GRCh37 (hg19) VCF-style: chr11-78780997-G-A.
Identifiers: ClinVar variation 4683683 (VCV004683683.1).

ClinVar aggregate classification (germline): Likely benign (1 of 4 stars; one submission).

gnomAD v4.1: 33 of 1,543,938 alleles (0.0021%); highest among the groups gnomAD compares: African/African-American, 0.021%; no homozygotes.

Submission:

Mayo Clinic Laboratories, Mayo Clinic
Classification: Likely benign. Last evaluated: 2025-06-13. Review status: criteria provided, single submitter. Criteria: ACMG Guidelines, 2015. Collection method: clinical testing. Allele origin: germline. Observed: 1 variant allele.
Comment: BS2